The following is an entry in ClinVar:

ClinVar aggregate classification (germline): Uncertain significance. Review status: criteria provided, multiple submitters, no conflicts (2 of 4 stars). 2 submissions from 2 submitters: Uncertain significance (2). Last evaluated 2025-11-02.

Allele frequency attached by ClinVar (database versions not stated): TOPMed 0.00002; gnomAD 0.00003; ExAC 0.00004; gnomAD exomes 0.00004; ESP Exome Variant Server 0.00015.
gnomAD v4.1: 67 of 1,611,992 alleles (0.0042%); highest among the groups gnomAD compares: Non-Finnish European, 0.0054%; no homozygotes.

Submissions (2):

Labcorp Genetics (formerly Invitae), Labcorp
Classification: Uncertain significance. Last evaluated: 2025-11-02. Review status: criteria provided, single submitter. Criteria: Invitae Variant Classification Sherloc (09022015). Collection method: clinical testing. Allele origin: germline.
Comment: This sequence change replaces alanine, which is neutral and non-polar, with valine, which is neutral and non-polar, at codon 760 of the NFATC1 protein (p.Ala760Val). This variant is present in population databases (rs374962314, gnomAD 0.006%). This variant has not been reported in the literature in individuals affected with NFATC1-related conditions. ClinVar contains an entry for this variant (Variation ID: 3196332). An algorithm developed to predict the effect of missense changes on protein structure and function (PolyPhen-2) suggests that this variant is likely to be tolerated. In summary, the available evidence is currently insufficient to determine the role of this variant in disease. Therefore, it has been classified as a Variant of Uncertain Significance.

Ambry Genetics
Classification: Uncertain significance. Last evaluated: 2023-09-23. Review status: criteria provided, single submitter. Criteria: Ambry Variant Classification Scheme 2023. Collection method: clinical testing. Allele origin: germline.

NM_001278669.2(NFATC1):c.2279C>T (p.Ala760Val)

Gene: NFATC1 (nuclear factor of activated T cells 1; plus strand). Cytogenetic location: 18q23.
Variant type: single nucleotide variant.
Coding change: c.2279C>T on transcript NM_001278669.2 (MANE Select); coding-DNA position 2279, C replaced by T.
Protein change: p.Ala760Val; replaces alanine 760 with valine.
Molecular consequence: missense variant. On other transcripts: intron variant (2).
Genome position (GRCh38, 1-based): chr18:79,486,434, C>T. VCF-style: chr18-79486434-C-T. GRCh37 (hg19) VCF-style: chr18-77246434-C-T.
Other names: c.863C>T, p.Ala288Val (NM_001278673.2, NM_172388.3); c.2279C>T, p.Ala760Val (NM_006162.5); c.2240C>T, p.Ala747Val (NM_172387.3, NM_172389.3); c.2092+18852C>T (NM_001278670.2); c.2053+18852C>T (NM_001278672.2); short protein forms A288V, A747V, A760V.
Identifiers: ClinVar variation 3196332 (VCV003196332.2), dbSNP rs374962314, ClinGen allele CA9009581.